The following is an entry in ClinVar:

NM_001244008.2(KIF1A):c.740T>C (p.Val247Ala)

Gene: KIF1A (kinesin family member 1A; minus strand). Cytogenetic location: 2q37.3.
Variant type: single nucleotide variant.
Coding change: c.740T>C on transcript NM_001244008.2 (MANE Select); coding-DNA position 740, T replaced by C.
Protein change: p.Val247Ala; replaces valine 247 with alanine.
Molecular consequence: missense variant.
Genome position (GRCh38, 1-based): chr2:240,783,797, A>G on the plus strand (T>C on the coding strand, the complement: KIF1A is on the minus strand). VCF-style: chr2-240783797-A-G. GRCh37 (hg19) VCF-style: chr2-241723214-A-G.
Other names: c.740T>C, p.Val247Ala (NM_001320705.2, NM_001330289.2, NM_001330290.2 and 21 more transcripts); short protein forms V247A.
Identifiers: ClinVar variation 1956858 (VCV001956858.5), dbSNP rs2538277955, ClinGen allele CA351303308.

ClinVar aggregate classification (germline): Uncertain significance (1 of 4 stars; one submission).

Conditions:
Hereditary spastic paraplegia 30. Identifiers: Orphanet 101010, MedGen C5235139, MONDO:0012476.
Neuropathy, hereditary sensory, type 2C. Also called: Hereditary sensory and autonomic neuropathy type IIC; KIF1A-Related HSAN2 (HSAN2C). Identifiers: Orphanet 970, MedGen C3280168, MONDO:0013634, OMIM 614213.
Intellectual disability, autosomal dominant 9 (NESCAVS). Also called: NESCAV SYNDROME; KIF1A-Related Neurodevelopmental Disorder. Identifiers: Orphanet 662367, MedGen C5393830, MONDO:0013656, OMIM 614255.

Submission:

Labcorp Genetics (formerly Invitae), Labcorp
Classification: Uncertain significance for Hereditary spastic paraplegia 30; Neuropathy, hereditary sensory, type 2C; Intellectual disability, autosomal dominant 9. Last evaluated: 2022-10-17. Review status: criteria provided, single submitter. Criteria: Invitae Variant Classification Sherloc (09022015). Collection method: clinical testing. Allele origin: germline.
Comment: Advanced modeling of protein sequence and biophysical properties (such as structural, functional, and spatial information, amino acid conservation, physicochemical variation, residue mobility, and thermodynamic stability) performed at Invitae indicates that this missense variant is expected to disrupt KIF1A protein function. In summary, the available evidence is currently insufficient to determine the role of this variant in disease. Therefore, it has been classified as a Variant of Uncertain Significance. This variant has not been reported in the literature in individuals affected with KIF1A-related conditions. This variant is not present in population databases (gnomAD no frequency). This sequence change replaces valine, which is neutral and non-polar, with alanine, which is neutral and non-polar, at codon 247 of the KIF1A protein (p.Val247Ala).